The following is an entry in ClinVar:

NM_001035.3(RYR2):c.2941A>C (p.Met981Leu)

Gene: RYR2 (ryanodine receptor 2; plus strand). Cytogenetic location: 1q43.
Variant type: single nucleotide variant.
Coding change: c.2941A>C on transcript NM_001035.3 (MANE Select); coding-DNA position 2941, A replaced by C.
Protein change: p.Met981Leu; replaces methionine 981 with leucine.
Molecular consequence: missense variant.
Genome position (GRCh38, 1-based): chr1:237,548,465, A>C. VCF-style: chr1-237548465-A-C. GRCh37 (hg19) VCF-style: chr1-237711765-A-C.
Other names: short protein forms M981L.
Identifiers: ClinVar variation 3061901 (VCV003061901.1), dbSNP rs768893657, ClinGen allele CA345393489.

ClinVar aggregate classification (germline): Uncertain significance (1 of 4 stars; one submission).

Conditions:
Catecholaminergic polymorphic ventricular tachycardia 1. Also called: RYR2-Related Catecholaminergic Polymorphic Ventricular Tachycardia; VENTRICULAR TACHYCARDIA, STRESS-INDUCED POLYMORPHIC 1; VENTRICULAR TACHYCARDIA, CATECHOLAMINERGIC POLYMORPHIC, 1, WITH OR WITHOUT ATRIAL DYSFUNCTION AND/OR DILATED CARDIOMYOPATHY. Identifiers: Orphanet 3286, MedGen C1631597, MONDO:0011484, OMIM 604772.

gnomAD v4.1: 1 of 1,613,998 alleles (0.000062%); highest among the groups gnomAD compares: Non-Finnish European, 0.000085%; no homozygotes.

Submission:

MVZ Medizinische Genetik Mainz
Classification: Uncertain significance for Catecholaminergic polymorphic ventricular tachycardia 1. Last evaluated: 2022-06-01. Review status: criteria provided, single submitter. Criteria: UK Practice Guidelines For Variant Classification V4 01 2020. Collection method: clinical testing. Allele origin: germline. Inheritance: Autosomal dominant inheritance. Affected: yes. Observed: 1 variant allele.
Comment: PM2_SUP, PP2, BP4 (ACMG Version 3)